The following is an entry in ClinVar:

NM_178526.5(SLC25A42):c.389C>T (p.Pro130Leu)

Gene: SLC25A42 (solute carrier family 25 member 42; plus strand). Cytogenetic location: 19p13.11.
Variant type: single nucleotide variant.
Coding change: c.389C>T on transcript NM_178526.5 (MANE Select); coding-DNA position 389, C replaced by T.
Protein change: p.Pro130Leu; replaces proline 130 with leucine.
Molecular consequence: missense variant.
Genome position (GRCh38, 1-based): chr19:19,106,277, C>T. VCF-style: chr19-19106277-C-T. GRCh37 (hg19) VCF-style: chr19-19217086-C-T.
Other names: c.389C>T, p.Pro130Leu (NM_001321544.2); short protein forms P130L.
Identifiers: ClinVar variation 1716401 (VCV001716401.5), dbSNP rs2514109496, ClinGen allele CA404893258.

ClinVar aggregate classification (germline): Uncertain significance (1 of 4 stars; one submission).

Submission:

Labcorp Genetics (formerly Invitae), Labcorp
Classification: Uncertain significance. Last evaluated: 2022-08-13. Review status: criteria provided, single submitter. Criteria: Invitae Variant Classification Sherloc (09022015). Collection method: clinical testing. Allele origin: germline.
Comment: In summary, the available evidence is currently insufficient to determine the role of this variant in disease. Therefore, it has been classified as a Variant of Uncertain Significance. Algorithms developed to predict the effect of missense changes on protein structure and function are either unavailable or do not agree on the potential impact of this missense change (SIFT: "Tolerated"; PolyPhen-2: "Possibly Damaging"; Align-GVGD: "Class C0"). This variant has not been reported in the literature in individuals affected with SLC25A42-related conditions. This variant is not present in population databases (gnomAD no frequency). This sequence change replaces proline, which is neutral and non-polar, with leucine, which is neutral and non-polar, at codon 130 of the SLC25A42 protein (p.Pro130Leu).